The following is an entry in ClinVar:

ClinVar aggregate classification (germline): Conflicting classifications of pathogenicity. Review status: criteria provided, conflicting classifications (1 of 4 stars). 5 submissions from 4 submitters: Uncertain significance (3); Likely benign (1). 1 of the submissions does not count toward it. Last evaluated 2025-12-10.

Conditions:
CC2D2A-related disorder. Also called: CC2D2A-related disorders; CC2D2A-related condition. Identifiers: MedGen CN239313.
Meckel-Gruber syndrome. Also called: Dysencephalia splachnocystica; DYSENCEPHALIA SPLANCHNOCYSTICA; GRUBER SYNDROME. Identifiers: Orphanet 564, MedGen C0265215, MONDO:0018921.
Joubert syndrome. Also called: JOUBERT-BOLTSHAUSER SYNDROME; Familial aplasia of the vermis. Identifiers: Orphanet 475, MedGen C5979921, MONDO:0018772.
Inborn genetic diseases. Identifiers: MedGen C0950123, MeSH D030342.
Meckel syndrome, type 6. Identifiers: Orphanet 564, MedGen C2676790, MONDO:0012848, OMIM 612284.
Joubert syndrome 9 (JBTS9). Identifiers: Orphanet 2318, MedGen C2676788, MONDO:0012849, OMIM 612285.

Allele frequency attached by ClinVar (database versions not stated): gnomAD exomes 0.00001 and 0.00004; gnomAD 0.00002 and 0.00003; TOPMed 0.00002; ExAC 0.00010; ESP Exome Variant Server 0.00022.
gnomAD v4.1: 19 of 1,551,088 alleles (0.0012%); highest among the groups gnomAD compares: East Asian, 0.022%; no homozygotes.

Submissions (5):

Labcorp Genetics (formerly Invitae), Labcorp
Classification: Likely benign for Joubert syndrome; Meckel-Gruber syndrome. Last evaluated: 2025-12-10. Review status: criteria provided, single submitter. Criteria: Invitae Variant Classification Sherloc (09022015). Collection method: clinical testing. Allele origin: germline.

Ambry Genetics
Classification: Uncertain significance for Inborn genetic diseases. Last evaluated: 2021-06-18. Review status: criteria provided, single submitter. Criteria: Ambry Variant Classification Scheme 2023. Collection method: clinical testing. Allele origin: germline.

Illumina Laboratory Services, Illumina
Classification: Uncertain significance for Joubert syndrome 9. Last evaluated: 2018-01-13. Review status: criteria provided, single submitter. Criteria: ICSL Variant Classification Criteria 13 December 2019. Collection method: clinical testing. Allele origin: germline.

Illumina Laboratory Services, Illumina
Classification: Uncertain significance for Meckel syndrome, type 6. Last evaluated: 2018-01-13. Review status: criteria provided, single submitter. Criteria: ICSL Variant Classification Criteria 13 December 2019. Collection method: clinical testing. Allele origin: germline.

PreventionGenetics, part of Exact Sciences
Classification: Uncertain significance for CC2D2A-related condition. Last evaluated: 2023-12-12. Review status: no assertion criteria provided. Collection method: clinical testing. Allele origin: germline. Not counted in ClinVar's aggregate classification.
Comment: The CC2D2A c.3670C>T variant is predicted to result in the amino acid substitution p.Arg1224Trp. To our knowledge, this variant has not been reported in the literature. This variant is reported in 0.037% of alleles in individuals of East Asian descent in gnomAD. At this time, the clinical significance of this variant is uncertain due to the absence of conclusive functional and genetic evidence.

NM_001378615.1(CC2D2A):c.3670C>T (p.Arg1224Trp)

Genes: FBXL5 (F-box and leucine rich repeat protein 5; minus strand), CC2D2A (coiled-coil and C2 domain containing 2A; plus strand). Cytogenetic location: 4p15.32.
Variant type: single nucleotide variant.
Coding change: c.3670C>T on transcript NM_001378615.1 (MANE Select); coding-DNA position 3670, C replaced by T.
Protein change: p.Arg1224Trp; replaces arginine 1224 with tryptophan.
Molecular consequence: missense variant.
Genome position (GRCh38, 1-based): chr4:15,574,225, C>T. VCF-style: chr4-15574225-C-T. GRCh37 (hg19) VCF-style: chr4-15575848-C-T.
Other names: c.3670C>T, p.Arg1224Trp (NM_001080522.2); c.3523C>T, p.Arg1175Trp (NM_001378617.1); short protein forms R1224W, R1175W.
Identifiers: ClinVar variation 347901 (VCV000347901.13), dbSNP rs369648324, ClinGen allele CA2864221.